The following is an entry in ClinVar:

ClinVar aggregate classification (germline): Uncertain significance (1 of 4 stars; one submission).

Conditions:
Oligodontia-cancer predisposition syndrome. Also called: TOOTH AGENESIS-COLORECTAL CANCER SYNDROME. Identifiers: Orphanet 300576, MedGen C1837750, MONDO:0012075, OMIM 608615. Disease mechanism: loss of function.

Submission:

Labcorp Genetics (formerly Invitae), Labcorp
Classification: Uncertain significance for Oligodontia-cancer predisposition syndrome. Last evaluated: 2022-06-29. Review status: criteria provided, single submitter. Criteria: Invitae Variant Classification Sherloc (09022015). Collection method: clinical testing. Allele origin: germline.
Comment: This sequence change replaces proline, which is neutral and non-polar, with serine, which is neutral and polar, at codon 467 of the AXIN2 protein (p.Pro467Ser). This variant is not present in population databases (gnomAD no frequency). This variant has not been reported in the literature in individuals affected with AXIN2-related conditions. Algorithms developed to predict the effect of missense changes on protein structure and function (SIFT, PolyPhen-2, Align-GVGD) all suggest that this variant is likely to be disruptive. In summary, the available evidence is currently insufficient to determine the role of this variant in disease. Therefore, it has been classified as a Variant of Uncertain Significance.

NM_004655.4(AXIN2):c.1399C>T (p.Pro467Ser)

Gene: AXIN2 (axin 2; minus strand). Cytogenetic location: 17q24.1.
Variant type: single nucleotide variant.
Coding change: c.1399C>T on transcript NM_004655.4 (MANE Select); coding-DNA position 1399, C replaced by T.
Protein change: p.Pro467Ser; replaces proline 467 with serine.
Molecular consequence: missense variant.
Genome position (GRCh38, 1-based): chr17:65,537,637, G>A on the plus strand (C>T on the coding strand, the complement: AXIN2 is on the minus strand). VCF-style: chr17-65537637-G-A. GRCh37 (hg19) VCF-style: chr17-63533755-G-A.
Other names: c.1399C>T, p.Pro467Ser (NM_001363813.1); short protein forms P467S.
Identifiers: ClinVar variation 2012027 (VCV002012027.4), dbSNP rs2144463949, ClinGen allele CA400677584.